The following is an entry in ClinVar:

NM_003072.5(SMARCA4):c.2023C>T (p.Gln675Ter)

Gene: SMARCA4 (SWI/SNF related BAF chromatin remodeling complex subunit ATPase 4; plus strand). Cytogenetic location: 19p13.2.
Variant type: single nucleotide variant.
Coding change: c.2023C>T on transcript NM_003072.5 (MANE Select); coding-DNA position 2023, C replaced by T.
Protein change: p.Gln675Ter; replaces glutamine 675 with a stop codon.
Molecular consequence: nonsense. On other transcripts: non-coding transcript variant (1).
Genome position (GRCh38, 1-based): chr19:11,007,923, C>T. VCF-style: chr19-11007923-C-T. GRCh37 (hg19) VCF-style: chr19-11118599-C-T.
Other names: c.2023C>T, p.Gln675Ter (NM_001128844.3, NM_001128845.2, NM_001128846.2 and 6 more transcripts); short protein forms Q675*.
Identifiers: ClinVar variation 4752373 (VCV004752373.1).

ClinVar aggregate classification (germline): Pathogenic (1 of 4 stars; one submission).

Conditions:
Rhabdoid tumor predisposition syndrome 2 (RTPS2). Identifiers: Orphanet 231108, Orphanet 69077, MedGen C2750074, MONDO:0013224, OMIM 613325.

Submission:

Labcorp Genetics (formerly Invitae), Labcorp
Classification: Pathogenic for Rhabdoid tumor predisposition syndrome 2. Last evaluated: 2025-09-22. Review status: criteria provided, single submitter. Criteria: Invitae Variant Classification Sherloc (09022015). Collection method: clinical testing. Allele origin: germline.
Comment: This sequence change creates a premature translational stop signal (p.Gln675*) in the SMARCA4 gene. It is expected to result in an absent or disrupted protein product. Loss-of-function variants in SMARCA4 are known to be pathogenic (PMID: 24658001, 24658002). This variant is not present in population databases (gnomAD no frequency). This variant has not been reported in the literature in individuals affected with SMARCA4-related conditions. For these reasons, this variant has been classified as Pathogenic.

Literature cited by the submitters: PubMed 24658001; PubMed 24658002.